The following is an entry in ClinVar:

NM_003601.4(SMARCA5):c.2584C>T (p.Arg862Cys)

Gene: SMARCA5 (SNF2 related chromatin remodeling ATPase 5; plus strand). Cytogenetic location: 4q31.21.
Variant type: single nucleotide variant.
Coding change: c.2584C>T on transcript NM_003601.4 (MANE Select); coding-DNA position 2584, C replaced by T.
Protein change: p.Arg862Cys; replaces arginine 862 with cysteine.
Molecular consequence: missense variant.
Genome position (GRCh38, 1-based): chr4:143,546,839, C>T. VCF-style: chr4-143546839-C-T. GRCh37 (hg19) VCF-style: chr4-144467992-C-T.
Other names: short protein forms R862C.
Identifiers: ClinVar variation 4282113 (VCV004282113.1).
Genomic context (GRCh38, chr4:143,546,839, plus strand): 5'-TTTACCAATTGGAATAAGAGAGATTTTAACCAGTTTATCAAAGCTAATGAGAAGTGGGGT[C>T]GTGATGATATTGAAAATATAGCAAGAGAAGTAGAAGGCAAAACTCCAGAAGAAGTCATTG-3'
Protein context (NP_003592.3, residues 852-872): QFIKANEKWG[Arg862Cys]DDIENIAREV

ClinVar aggregate classification (germline): Uncertain significance (1 of 4 stars; one submission).

gnomAD v4.1: 1 of 1,611,082 alleles (0.000062%); highest among the groups gnomAD compares: Non-Finnish European, 0.000085%; no homozygotes.

Submission:

GeneDx
Classification: Uncertain significance. Last evaluated: 2025-04-10. Review status: criteria provided, single submitter. Criteria: GeneDx Variant Classification Process June 2021. Collection method: clinical testing. Allele origin: germline. Affected: yes.
Comment: Not observed at significant frequency in large population cohorts (gnomAD); In silico analysis supports that this missense variant has a deleterious effect on protein structure/function; Has not been previously published as pathogenic or benign to our knowledge